The following is an entry in ClinVar:

ClinVar aggregate classification (germline): Benign (1 of 4 stars; one submission).

Conditions:
Lynch syndrome 4 (LYNCH4). Also called: Colorectal cancer, hereditary nonpolyposis, type 4; Hereditary non-polyposis colorectal cancer, type 4. Identifiers: Orphanet 144, MedGen C1838333, MONDO:0013699, OMIM 614337. Disease mechanism: loss of function.

Submission:

Myriad Genetics, Inc.
Classification: Benign for Lynch syndrome 4. Last evaluated: 2025-01-28. Review status: criteria provided, single submitter. Criteria: Myriad Autosomal Dominant, Autosomal Recessive and X-Linked Classification Criteria (2023). Collection method: clinical testing. Allele origin: unknown.
Comment: This variant is considered benign. This variant is intronic and is not expected to impact mRNA splicing.

NM_000535.7(PMS2):c.804-31A>G

Gene: PMS2 (PMS1 homolog 2, mismatch repair system component; minus strand). Cytogenetic location: 7p22.1.
Variant type: single nucleotide variant.
Coding change: c.804-31A>G on transcript NM_000535.7 (MANE Select); 31 bases into the intron before coding-DNA position 804, A replaced by G.
Molecular consequence: intron variant.
Genome position (GRCh38, 1-based): chr7:5,995,664, T>C on the plus strand (A>G on the coding strand, the complement: PMS2 is on the minus strand). VCF-style: chr7-5995664-T-C. GRCh37 (hg19) VCF-style: chr7-6035295-T-C.
Other names: c.486-31A>G (NM_001322008.2, NM_001406902.1, NM_001406883.1 and 4 more transcripts); c.495-31A>G (NM_001406881.1, NM_001406879.1, NM_001322015.2 and 6 more transcripts); c.399-31A>G (NM_001406895.1, NM_001322010.2, NM_001322004.2 and 19 more transcripts); c.133-3607A>G (NM_001406911.1); c.291-31A>G (NM_001406904.1, NM_001406905.1); c.231-31A>G (NM_001322013.2, NM_001406909.1); c.-130-31A>G (NM_001322012.2, NM_001322011.2); c.468-31A>G (NM_001406885.1); and 8 more.
Identifiers: ClinVar variation 3903610 (VCV003903610.1).